The following is an entry in ClinVar:

ClinVar aggregate classification (germline): Likely pathogenic. Review status: criteria provided, multiple submitters, no conflicts (2 of 4 stars). 2 submissions from 2 submitters: Likely pathogenic (2). Last evaluated 2024-08-15.

Conditions:
Retinitis pigmentosa 26 (RP26). Identifiers: Orphanet 791, MedGen C1842127, MONDO:0012024, OMIM 608380.

Submissions (2):

Labcorp Genetics (formerly Invitae), Labcorp
Classification: Likely pathogenic. Last evaluated: 2024-08-15. Review status: criteria provided, single submitter. Criteria: Invitae Variant Classification Sherloc (09022015). Collection method: clinical testing. Allele origin: germline.
Comment: This sequence change results in a frameshift in the CERKL gene (p.Ser546Asnfs*21). While this is not anticipated to result in nonsense mediated decay, it is expected to disrupt the last 13 amino acid(s) of the CERKL protein and extend the protein by 7 additional amino acid residues. This variant is present in population databases (rs762150607, gnomAD 0.01%). This frameshift has been observed in individuals with clinical features of retinitis pigmentosa (PMID: 31736247; Invitae). ClinVar contains an entry for this variant (Variation ID: 1916231). This variant disrupts the C-terminus of the CERKL protein. Other variant(s) that disrupt this region (p.Tyr548Serfs*19) have been observed in individuals with CERKL-related conditions (PMID: 24938718). This suggests that this may be a clinically significant region of the protein. In summary, the currently available evidence indicates that the variant is pathogenic, but additional data are needed to prove that conclusively. Therefore, this variant has been classified as Likely Pathogenic.

Baylor Genetics
Classification: Likely pathogenic for Retinitis pigmentosa 26. Last evaluated: 2024-01-30. Review status: criteria provided, single submitter. Criteria: ACMG Guidelines, 2015. Collection method: clinical testing. Allele origin: unknown.

Literature cited by the submitters: PubMed 31736247 (cited by Labcorp Genetics (formerly Invitae), Labcorp); PubMed 24938718 (cited by Labcorp Genetics (formerly Invitae), Labcorp).

NM_201548.5(CERKL):c.1555_1558dup (p.Ser520fs)

Genes: CERKL (CERK like autophagy regulator; minus strand), ITGA4 (integrin subunit alpha 4; plus strand). Cytogenetic location: 2q31.3.
Variant type: Duplication.
Coding change: c.1555_1558dup on transcript NM_201548.5 (MANE Select); coding-DNA positions 1555 to 1558, 4 bases duplicated (ATCA; older notation c.1555_1558dupATCA).
Protein change: p.Ser520fs; shifts the reading frame from serine 520.
Molecular consequence: frameshift variant. On other transcripts: 3 prime UTR variant (1), non-coding transcript variant (2).
Genome position (GRCh38, 1-based): chr2:181,538,225-181,538,228, TGAT duplicated on the plus strand (ATCA on the coding strand, the reverse complement: CERKL is on the minus strand). VCF-style (leftmost placement, unchanged base first): chr2-181538224-C-CTGAT. GRCh37 (hg19) VCF-style: chr2-182402951-C-CTGAT.
Other names: c.*2698_*2701dup (NM_000885.6); c.1633_1636dup, p.Ser546fs (NM_001030311.3); c.1216_1219dup, p.Ser407fs (NM_001030312.3); c.1348_1351dup, p.Ser451fs (NM_001030313.3); c.1501_1504dup, p.Ser502fs (NM_001160277.2); short protein forms S407fs, S502fs, S546fs, S520fs, S451fs.
Identifiers: ClinVar variation 1916231 (VCV001916231.7), dbSNP rs762150607, ClinGen allele CA2010377.